The following is an entry in ClinVar:

NM_000057.4(BLM):c.2983T>A (p.Tyr995Asn)

Gene: BLM (BLM RecQ like helicase; plus strand). Cytogenetic location: 15q26.1.
Variant type: single nucleotide variant.
Coding change: c.2983T>A on transcript NM_000057.4 (MANE Select); coding-DNA position 2983, T replaced by A.
Protein change: p.Tyr995Asn; replaces tyrosine 995 with asparagine.
Molecular consequence: missense variant.
Genome position (GRCh38, 1-based): chr15:90,790,808, T>A. VCF-style: chr15-90790808-T-A. GRCh37 (hg19) VCF-style: chr15-91334038-T-A.
Other names: c.2983T>A, p.Tyr995Asn (NM_001287246.2, NM_001287247.2); c.1858T>A, p.Tyr620Asn (NM_001287248.2); c.2983T>A (NM_000057.2); short protein forms Y620N, Y995N.
Identifiers: ClinVar variation 839107 (VCV000839107.14), dbSNP rs142723411, ClinGen allele CA393846551.
Genomic context (GRCh38, chr15:90,790,808, plus strand): 5'-CAAGAATCTGGCAGAGCTGGAAGAGATGGGGAAATATCTCACTGCCTGCTTTTCTATACC[T>A]ATCATGATGTGACCAGACTGAAAAGACTTATAATGAGTAAGCTGGGCTCCATTGTAGAGA-3'
Protein context (NP_000048.1, residues 985-1005): EISHCLLFYT[Tyr995Asn]HDVTRLKRLI

ClinVar aggregate classification (germline): Uncertain significance. Review status: criteria provided, multiple submitters, no conflicts (2 of 4 stars). 3 submissions from 3 submitters: Uncertain significance (2). 1 of the submissions does not count toward it. Last evaluated 2025-11-03.

Conditions:
Hereditary cancer-predisposing syndrome. Also called: Neoplastic Syndromes, Hereditary; Tumor predisposition; Hereditary neoplastic syndrome; Hereditary Cancer Syndrome. Identifiers: Orphanet 140162, MedGen C0027672, MeSH D009386, MONDO:0015356.
Bloom syndrome (BLM). Also called: Bloom-Torre-Machacek syndrome. Identifiers: Orphanet 125, MedGen C0005859, MONDO:0008876, OMIM 210900.

Allele frequency attached by ClinVar (database versions not stated): gnomAD exomes below 0.00001.
gnomAD v4.1: 2 of 1,614,176 alleles (0.00012%); highest among the groups gnomAD compares: Non-Finnish European, 0.00017%; no homozygotes.

Submissions (3):

Labcorp Genetics (formerly Invitae), Labcorp
Classification: Uncertain significance for Bloom syndrome. Last evaluated: 2025-11-03. Review status: criteria provided, single submitter. Criteria: Invitae Variant Classification Sherloc (09022015). Collection method: clinical testing. Allele origin: germline.
Comment: This sequence change replaces tyrosine, which is neutral and polar, with asparagine, which is neutral and polar, at codon 995 of the BLM protein (p.Tyr995Asn). This variant is not present in population databases (gnomAD no frequency). This variant has not been reported in the literature in individuals affected with BLM-related conditions. ClinVar contains an entry for this variant (Variation ID: 839107). Invitae Evidence Modeling of protein sequence and biophysical properties (such as structural, functional, and spatial information, amino acid conservation, physicochemical variation, residue mobility, and thermodynamic stability) indicates that this missense variant is expected to disrupt BLM protein function with a positive predictive value of 80%. In summary, the available evidence is currently insufficient to determine the role of this variant in disease. Therefore, it has been classified as a Variant of Uncertain Significance.

Ambry Genetics
Classification: Uncertain significance for Hereditary cancer-predisposing syndrome. Last evaluated: 2025-06-25. Review status: criteria provided, single submitter. Criteria: Ambry Variant Classification Scheme 2023. Collection method: clinical testing. Allele origin: germline.
Comment: The p.Y995N variant (also known as c.2983T>A), located in coding exon 14 of the BLM gene, results from a T to A substitution at nucleotide position 2983. The tyrosine at codon 995 is replaced by asparagine, an amino acid with dissimilar properties. This amino acid position is highly conserved in available vertebrate species. In addition, this alteration is predicted to be deleterious by in silico analysis. Since supporting evidence is limited at this time, the clinical significance of this alteration remains unclear.

Natera, Inc.
Classification: Uncertain significance for Bloom syndrome. Last evaluated: 2019-02-06. Review status: no assertion criteria provided. Collection method: clinical testing. Allele origin: germline. Not counted in ClinVar's aggregate classification.